The following is an entry in ClinVar:

ClinVar aggregate classification (germline): Likely benign (1 of 4 stars; one submission).

Allele frequency attached by ClinVar (database versions not stated): 1000 Genomes Project 30x 0.00219; 1000 Genomes Project 0.00220; ExAC 0.00231; gnomAD 0.00310; gnomAD exomes 0.00313; TOPMed 0.00315; ESP Exome Variant Server 0.00408.
gnomAD v4.1: 5,015 of 1,614,006 alleles (0.31%); highest among the groups gnomAD compares: Non-Finnish European, 0.36%; 13 homozygotes.

Submission:

CeGaT Center for Human Genetics Tuebingen
Classification: Likely benign. Last evaluated: 2022-07-01. Review status: criteria provided, single submitter. Criteria: CeGaT Center For Human Genetics Tuebingen Variant Classification Criteria Version 2. Collection method: clinical testing. Allele origin: germline. Affected: yes. Observed: 1 variant allele.
Comment: GTF2F1: BP4, BP7

NM_002096.3(GTF2F1):c.339C>A (p.Ile113=)

Gene: GTF2F1 (general transcription factor IIF subunit 1; minus strand). Cytogenetic location: 19p13.3.
Variant type: single nucleotide variant.
Coding change: c.339C>A on transcript NM_002096.3 (MANE Select); coding-DNA position 339, C replaced by A.
Protein change: p.Ile113=; no amino-acid change (isoleucine 113 retained).
Molecular consequence: synonymous variant.
Genome position (GRCh38, 1-based): chr19:6,387,547, G>T on the plus strand (C>A on the coding strand, the complement: GTF2F1 is on the minus strand). VCF-style: chr19-6387547-G-T. GRCh37 (hg19) VCF-style: chr19-6387558-G-T.
Identifiers: ClinVar variation 2649132 (VCV002649132.24), dbSNP rs116536653, ClinGen allele CA9123959.